The following is an entry in ClinVar:

NM_032638.5(GATA2):c.312_313dup (p.Leu105fs)

Gene: GATA2 (GATA binding protein 2; minus strand). Cytogenetic location: 3q21.3.
Variant type: Duplication.
Coding change: c.312_313dup on transcript NM_032638.5 (MANE Select); coding-DNA positions 312 to 313, 2 bases duplicated (CC; older notation c.312_313dupCC).
Protein change: p.Leu105fs; shifts the reading frame from leucine 105.
Molecular consequence: frameshift variant.
Genome position (GRCh38, 1-based): chr3:128,486,285-128,486,286, GG duplicated on the plus strand (CC on the coding strand, the reverse complement: GATA2 is on the minus strand); duplicating any 2 consecutive bases within chr3:128,486,285-128,486,287 gives the same sequence; the c. name uses the placement nearest the transcript's 3' end. VCF-style (leftmost placement, unchanged base first): chr3-128486284-A-AGG. GRCh37 (hg19) VCF-style: chr3-128205127-A-AGG.
Other names: c.312_313dupCC (NM_032638.4); c.312_313dup, p.Leu105fs (NM_001145661.2, NM_001145662.1); short protein forms L105fs.
Identifiers: ClinVar variation 29717 (VCV000029717.2), dbSNP rs1576749168, ClinGen allele CA658820607.
Genomic context (GRCh38, chr3:128,486,284, plus strand): 5'-GGCGTCTTGGAGAAGGGGCTCACGGTCCAGGGGTTGTGGTGGTGGGCCGCAGCGGCAGAG[A>AGG]GGGCTGCTTTGCCCCCGTCCAGCCAGGGCAAACCCGGGCTGTGCAACAAGTGTGGGCGGC-3'

ClinVar aggregate classification (germline): Pathogenic. Review status: criteria provided, single submitter (1 of 4 stars). 2 submissions from 2 submitters: Pathogenic (1). 1 of the submissions does not count toward it. Last evaluated 2021-07-06.

Conditions:
GATA2 deficiency with susceptibility to MDS/AML. Identifiers: MedGen CN300066, MONDO:0042982.
Deafness-lymphedema-leukemia syndrome. Also called: Lymphedema, primary, with myelodysplasia; Emberger syndrome. Identifiers: Orphanet 3226, MedGen C3279664, MONDO:0013540, OMIM 614038.

Submissions (2):

Molecular Pathology Research Laboratory, SA Pathology
Classification: Pathogenic for GATA2 deficiency with susceptibility to MDS/AML; Deafness-lymphedema-leukemia syndrome. Last evaluated: 2021-07-06. Review status: criteria provided, single submitter. Criteria: ACMG Guidelines, 2015. Collection method: curation. Allele origin: germline. Inheritance: Autosomal dominant inheritance. Affected: yes. Observed: 5 variant alleles. Clinical features observed: Myelodysplasia, Acute Myeloid Leukemia, Immunodeficiency, Lymphedema, Hematological abnormality.
Comment: PVS1, PS4, PM2

OMIM
Classification: Pathogenic for LYMPHEDEMA, PRIMARY, WITH MYELODYSPLASIA. Last evaluated: 2011-09-04. Review status: no assertion criteria provided. Collection method: literature only. Allele origin: germline. Not counted in ClinVar's aggregate classification.

Literature cited by the submitters: PubMed 21892158 (cited by Molecular Pathology Research Laboratory, SA Pathology and OMIM); PubMed 22533337 (cited by Molecular Pathology Research Laboratory, SA Pathology); PubMed 20803646 (cited by OMIM).